The following is an entry in ClinVar:

ClinVar aggregate classification (germline): Benign. Review status: criteria provided, multiple submitters, no conflicts (2 of 4 stars). 2 submissions from 2 submitters: Benign (2). Last evaluated 2016-01-22.

Allele frequency attached by ClinVar (database versions not stated): gnomAD exomes 0.71550; gnomAD 0.81825; 1000 Genomes Project 0.81969; 1000 Genomes Project 30x 0.82792; TOPMed 0.82853.
gnomAD v4.1: 123,607 of 151,470 alleles (82%); highest among the groups gnomAD compares: African/African-American, 95%; 51,112 homozygotes.

Submissions (2):

GeneDx
Classification: Benign. Last evaluated: 2016-01-22. Review status: criteria provided, single submitter. Criteria: GeneDx Variant Classification (06012015). Collection method: clinical testing. Allele origin: germline. Affected: yes.
Comment: This variant is considered likely benign or benign based on one or more of the following criteria: it is a conservative change, it occurs at a poorly conserved position in the protein, it is predicted to be benign by multiple in silico algorithms, and/or has population frequency not consistent with disease.

Breakthrough Genomics
Classification: Benign. Review status: criteria provided, single submitter. Criteria: ACMG Guidelines, 2015. Collection method: not provided. Allele origin: germline. Inheritance: Autosomal recessive inheritance. Affected: yes.

NM_001351169.2(NT5C2):c.-183G>C

Gene: NT5C2 (5'-nucleotidase, cytosolic II; minus strand). Cytogenetic location: 10q24.33.
Variant type: single nucleotide variant.
Coding change: c.-183G>C on transcript NM_001351169.2 (MANE Select); 183 bases upstream of the start codon, G replaced by C.
Molecular consequence: 5 prime UTR variant.
Genome position (GRCh38, 1-based): chr10:103,193,250, C>G on the plus strand (G>C on the coding strand, the complement: NT5C2 is on the minus strand). VCF-style: chr10-103193250-C-G. GRCh37 (hg19) VCF-style: chr10-104953007-C-G.
Other names: c.-39G>C (NM_001134373.3, NM_001351170.2); c.-137G>C (NM_001351171.2, NM_012229.5); c.-183G>C (NM_001351172.2); c.-400G>C (NM_001351175.2); c.-599G>C (NM_001351176.2); c.-673G>C (NM_001351177.2); c.-795G>C (NM_001351178.2); c.-730G>C (NM_001351180.2); and 12 more.
Identifiers: ClinVar variation 380850 (VCV000380850.2), dbSNP rs1141095, ClinGen allele CA16400238.
Genomic context (GRCh38, chr10:103,193,250, plus strand): 5'-TTCGCCCGCTCCTTCCCCGCCCGCCCACGGGGCCCGCCGCACTCACCGGCTCCAGCGCAC[C>G]GCAACAATCCCAGCGCGCAACTGCCGCAGCCGCCTCAACGCGCGCCCTCCCCGCCCCCGC-3'